The following is an entry in ClinVar:

NM_025137.4(SPG11):c.304C>T (p.Pro102Ser)

Gene: SPG11 (SPG11 vesicle trafficking associated, spatacsin; minus strand). Cytogenetic location: 15q21.1.
Variant type: single nucleotide variant.
Coding change: c.304C>T on transcript NM_025137.4 (MANE Select); coding-DNA position 304, C replaced by T.
Protein change: p.Pro102Ser; replaces proline 102 with serine.
Molecular consequence: missense variant.
Genome position (GRCh38, 1-based): chr15:44,660,570, G>A on the plus strand (C>T on the coding strand, the complement: SPG11 is on the minus strand). VCF-style: chr15-44660570-G-A. GRCh37 (hg19) VCF-style: chr15-44952768-G-A.
Other names: p.Pro102Ser; c.304C>T, p.Pro102Ser (NM_001160227.2); short protein forms P102S.
Identifiers: ClinVar variation 566795 (VCV000566795.60), dbSNP rs758322703, ClinGen allele CA7535873.
Genomic context (GRCh38, chr15:44,660,570, plus strand): 5'-CTTTCAAATTAAATTCATAGATAAGCAGTTCATAATTTTCACCAAGAGCGAGCAGTTTGG[G>A]CTTTTCAGTTGGTGTGCTGCTGTTACGAGAATCCTCCCATAGAAAGCTAAGAAAAAAAGT-3'
Protein context (NP_079413.3, residues 92-112): SRNSSTPTEK[Pro102Ser]KLLALGENYE

ClinVar aggregate classification (germline): Uncertain significance. Review status: criteria provided, multiple submitters, no conflicts (2 of 4 stars). 9 submissions from 7 submitters: Uncertain significance (9). Last evaluated 2025-09-23.

Conditions:
Spastic ataxia. Identifiers: Orphanet 316226, MedGen C1849156, MONDO:0017845, HP:0002497.
Hereditary spastic paraplegia 11. Also called: SPASTIC PARAPLEGIA, AUTOSOMAL RECESSIVE, COMPLICATED, WITH THIN CORPUS CALLOSUM; SPASTIC PARAPLEGIA, AUTOSOMAL RECESSIVE, WITH MENTAL IMPAIRMENT AND THIN CORPUS CALLOSUM; Spastic Paraplegia 11; Nakamura Osame syndrome; Autosomal recessive hereditary spastic paraplegia, mental impairment, and thin corpus callosum; Spastic paraplegia, mental retardation and thin corpus callosum. Identifiers: Orphanet 2822, MedGen C1858479, MONDO:0011445, OMIM 604360.
Charcot-Marie-Tooth disease axonal type 2X. Also called: CHARCOT-MARIE-TOOTH DISEASE, AXONAL, AUTOSOMAL RECESSIVE, TYPE 2X; CHARCOT-MARIE-TOOTH NEUROPATHY, TYPE 2X. Identifiers: Orphanet 466775, MedGen C5569024, MONDO:0014726, OMIM 616668.
Inborn genetic diseases. Identifiers: MedGen C0950123, MeSH D030342.
Amyotrophic lateral sclerosis type 5 (ALS5). Also called: AMYOTROPHIC LATERAL SCLEROSIS 5, JUVENILE. Identifiers: Orphanet 300605, MedGen C1865864, MONDO:0011196, OMIM 602099.

Allele frequency attached by ClinVar (database versions not stated): gnomAD 0.00001 and 0.00003; TOPMed 0.00001; ExAC 0.00003; gnomAD exomes 0.00004; 1000 Genomes Project 30x 0.00031.

Submissions (9):

Mayo Clinic Laboratories, Mayo Clinic
Classification: Uncertain significance. Last evaluated: 2025-09-23. Review status: criteria provided, single submitter. Criteria: ACMG Guidelines, 2015. Collection method: clinical testing. Allele origin: germline. Observed: 2 variant alleles.
Comment: BP4, PM2_supporting

CeGaT Center for Human Genetics Tuebingen
Classification: Uncertain significance. Last evaluated: 2025-06-01. Review status: criteria provided, single submitter. Criteria: CeGaT Center For Human Genetics Tuebingen Variant Classification Criteria Version 2. Collection method: clinical testing. Allele origin: germline. Affected: yes. Observed: 2 variant alleles.
Comment: SPG11: PM2, PM3:Supporting

Labcorp Genetics (formerly Invitae), Labcorp
Classification: Uncertain significance for Hereditary spastic paraplegia 11. Last evaluated: 2025-03-16. Review status: criteria provided, single submitter. Criteria: Invitae Variant Classification Sherloc (09022015). Collection method: clinical testing. Allele origin: germline.
Comment: This sequence change replaces proline, which is neutral and non-polar, with serine, which is neutral and polar, at codon 102 of the SPG11 protein (p.Pro102Ser). This variant is present in population databases (rs758322703, gnomAD 0.01%). This variant has not been reported in the literature in individuals affected with SPG11-related conditions. ClinVar contains an entry for this variant (Variation ID: 566795). An algorithm developed to predict the effect of missense changes on protein structure and function (PolyPhen-2) suggests that this variant is likely to be disruptive. In summary, the available evidence is currently insufficient to determine the role of this variant in disease. Therefore, it has been classified as a Variant of Uncertain Significance.

Molecular Medicine for Neurodegenerative and Neuromuscular Diseases Unit, IRCCS Fondazione Stella Maris
Classification: Uncertain significance for Spastic ataxia. Last evaluated: 2021-01-04. Review status: criteria provided, single submitter. Criteria: ACMG Guidelines, 2015. Collection method: research. Allele origin: unknown. Affected: yes.

Ambry Genetics
Classification: Uncertain significance for Inborn genetic diseases. Last evaluated: 2020-01-08. Review status: criteria provided, single submitter. Criteria: Ambry Variant Classification Scheme 2023. Collection method: clinical testing. Allele origin: germline.
Comment: The p.P102S variant (also known as c.304C>T), located in coding exon 2 of the SPG11 gene, results from a C to T substitution at nucleotide position 304. The proline at codon 102 is replaced by serine, an amino acid with similar properties. This amino acid position is well conserved in available vertebrate species. In addition, the in silico prediction for this alteration is inconclusive. Since supporting evidence is limited at this time, the clinical significance of this alteration remains unclear.

Illumina Laboratory Services, Illumina
Classification: Uncertain significance for Hereditary spastic paraplegia 11. Last evaluated: 2018-01-13. Review status: criteria provided, single submitter. Criteria: ICSL Variant Classification Criteria 13 December 2019. Collection method: clinical testing. Allele origin: germline.

Genome-Nilou Lab
Classification: Uncertain significance for Amyotrophic lateral sclerosis type 5. Review status: criteria provided, single submitter. Criteria: ACMG Guidelines, 2015. Collection method: clinical testing. Allele origin: germline.

Genome-Nilou Lab
Classification: Uncertain significance for Charcot-Marie-Tooth disease axonal type 2X. Review status: criteria provided, single submitter. Criteria: ACMG Guidelines, 2015. Collection method: clinical testing. Allele origin: germline.

Genome-Nilou Lab
Classification: Uncertain significance for Hereditary spastic paraplegia 11. Review status: criteria provided, single submitter. Criteria: ACMG Guidelines, 2015. Collection method: clinical testing. Allele origin: germline.

Literature cited by the submitters: PubMed 32483926 (cited by Mayo Clinic Laboratories, Mayo Clinic); PubMed 34445196 (cited by Mayo Clinic Laboratories, Mayo Clinic).